The following is an entry in ClinVar:

ClinVar aggregate classification (germline): Uncertain significance (1 of 4 stars; one submission).

Conditions:
Nemaline myopathy 2 (NEM2). Also called: Nemaline myopathy 2, autosomal recessive. Identifiers: MedGen C1850569, MONDO:0009725, OMIM 256030.

Allele frequency attached by ClinVar (database versions not stated): gnomAD exomes below 0.00001.
gnomAD v4.1: 2 of 1,614,036 alleles (0.00012%); highest among the groups gnomAD compares: Non-Finnish European, 0.00017%; no homozygotes.

Submission:

Labcorp Genetics (formerly Invitae), Labcorp
Classification: Uncertain significance for Nemaline myopathy 2. Last evaluated: 2022-02-22. Review status: criteria provided, single submitter. Criteria: Invitae Variant Classification Sherloc (09022015). Collection method: clinical testing. Allele origin: germline.
Comment: Algorithms developed to predict the effect of missense changes on protein structure and function output the following: SIFT: "Tolerated"; PolyPhen-2: "Not Available"; Align-GVGD: "Class C0". The arginine amino acid residue is found in multiple mammalian species, which suggests that this missense change does not adversely affect protein function. In summary, the available evidence is currently insufficient to determine the role of this variant in disease. Therefore, it has been classified as a Variant of Uncertain Significance. This variant has not been reported in the literature in individuals affected with NEB-related conditions. This variant is not present in population databases (gnomAD no frequency). This sequence change replaces lysine, which is basic and polar, with arginine, which is basic and polar, at codon 3354 of the NEB protein (p.Lys3354Arg).

NM_001164508.2(NEB):c.10061A>G (p.Lys3354Arg)

Gene: NEB (nebulin; minus strand). Cytogenetic location: 2q23.3.
Variant type: single nucleotide variant.
Coding change: c.10061A>G on transcript NM_001164508.2 (MANE Select); coding-DNA position 10061, A replaced by G.
Protein change: p.Lys3354Arg; replaces lysine 3354 with arginine.
Molecular consequence: missense variant.
Genome position (GRCh38, 1-based): chr2:151,627,605, T>C on the plus strand (A>G on the coding strand, the complement: NEB is on the minus strand). VCF-style: chr2-151627605-T-C. GRCh37 (hg19) VCF-style: chr2-152484119-T-C.
Other names: c.10061A>G, p.Lys3354Arg (NM_001164507.2, NM_001271208.2); c.9332A>G, p.Lys3111Arg (NM_004543.5); short protein forms K3111R, K3354R.
Identifiers: ClinVar variation 1952329 (VCV001952329.5), dbSNP rs2552236656, ClinGen allele CA348794690.